The following is an entry in ClinVar:

ClinVar aggregate classification (germline): Uncertain significance (1 of 4 stars; one submission).

Allele frequency attached by ClinVar (database versions not stated): gnomAD exomes below 0.00001 and 0.00001; ExAC 0.00001; ESP Exome Variant Server 0.00008.
gnomAD v4.1: 10 of 1,612,542 alleles (0.00062%); highest among the groups gnomAD compares: Non-Finnish European, 0.00076%; no homozygotes.

Submission:

Women's Health and Genetics/Laboratory Corporation of America, LabCorp
Classification: Uncertain significance. Last evaluated: 2022-05-13. Review status: criteria provided, single submitter. Criteria: LabCorp Variant Classification Summary - May 2015. Collection method: clinical testing. Allele origin: germline.
Comment: Variant summary: STAG1 c.1067G>C (p.Ser356Thr) results in a conservative amino acid change located in the Stromalin conservative domain of the encoded protein sequence. Four of five in-silico tools predict a benign effect of the variant on protein function. The variant allele was found at a frequency of 4e-06 in 249918 control chromosomes. The available data on variant occurrences in the general population are insufficient to allow any conclusion about variant significance. To our knowledge, no occurrence of c.1067G>C in individuals affected with Mental Retardation, Autosomal Dominant 47 and no experimental evidence demonstrating its impact on protein function have been reported. No clinical diagnostic laboratories have submitted clinical-significance assessments for this variant to ClinVar after 2014. Based on the evidence outlined above, the variant was classified as uncertain significance.

NM_005862.3(STAG1):c.1067G>C (p.Ser356Thr)

Gene: STAG1 (STAG1 cohesin complex component; minus strand). Cytogenetic location: 3q22.3.
Variant type: single nucleotide variant.
Coding change: c.1067G>C on transcript NM_005862.3 (MANE Select); coding-DNA position 1067, G replaced by C.
Protein change: p.Ser356Thr; replaces serine 356 with threonine.
Molecular consequence: missense variant.
Genome position (GRCh38, 1-based): chr3:136,473,597, C>G on the plus strand (G>C on the coding strand, the complement: STAG1 is on the minus strand). VCF-style: chr3-136473597-C-G. GRCh37 (hg19) VCF-style: chr3-136192439-C-G.
Other names: short protein forms S356T.
Identifiers: ClinVar variation 1696277 (VCV001696277.1), dbSNP rs140171002, ClinGen allele CA2633012.